The following is an entry in ClinVar:

NM_000548.5(TSC2):c.4216G>A (p.Asp1406Asn)

Gene: TSC2 (TSC complex subunit 2; plus strand). Cytogenetic location: 16p13.3.
Variant type: single nucleotide variant.
Coding change: c.4216G>A on transcript NM_000548.5 (MANE Select); coding-DNA position 4216, G replaced by A.
Protein change: p.Asp1406Asn; replaces aspartic acid 1406 with asparagine.
Molecular consequence: missense variant.
Genome position (GRCh38, 1-based): chr16:2,084,438, G>A. VCF-style: chr16-2084438-G-A. GRCh37 (hg19) VCF-style: chr16-2134439-G-A.
Other names: p.Asp1406Asn; c.4015G>A, p.Asp1339Asn (NM_001077183.3); c.4147G>A, p.Asp1383Asn (NM_001114382.3); c.3907G>A, p.Asp1303Asn (NM_001318827.2); c.3871G>A, p.Asp1291Asn (NM_001318829.2); c.3484G>A, p.Asp1162Asn (NM_001318831.2); c.4048G>A, p.Asp1350Asn (NM_001318832.2); c.4018G>A, p.Asp1340Asn (NM_001363528.2); and 2 more; short protein forms D1406N, D1162N, D1303N, D1291N, D1383N, D1339N, D1340N, D1362N.
Identifiers: ClinVar variation 405984 (VCV000405984.50), dbSNP rs147719291, ClinGen allele CA050657.

ClinVar aggregate classification (germline): Conflicting classifications of pathogenicity. Review status: criteria provided, conflicting classifications (1 of 4 stars). 11 submissions from 11 submitters: Uncertain significance (2); Benign (1); Likely benign (8). Last evaluated 2026-01-25.

Conditions:
Hereditary cancer-predisposing syndrome. Also called: Neoplastic Syndromes, Hereditary; Hereditary neoplastic syndrome; Tumor predisposition; Hereditary Cancer Syndrome. Identifiers: Orphanet 140162, MedGen C0027672, MeSH D009386, MONDO:0015356.
Tuberous sclerosis syndrome (TSC). Also called: Tuberous Sclerosis Complex; Tuberous sclerosis. Identifiers: Orphanet 805, MedGen C0041341, MONDO:0001734.
Tuberous sclerosis 2 (TSC2). Identifiers: Orphanet 805, MedGen C1860707, MONDO:0013199, OMIM 613254.

Allele frequency attached by ClinVar (database versions not stated): ESP Exome Variant Server 0.00008; TOPMed 0.00014.
gnomAD v4.1: 53 of 1,609,344 alleles (0.0033%); highest among the groups gnomAD compares: Admixed American, 0.018%; no homozygotes.

Submissions (11):

Labcorp Genetics (formerly Invitae), Labcorp
Classification: Benign for Tuberous sclerosis 2. Last evaluated: 2026-01-25. Review status: criteria provided, single submitter. Criteria: Invitae Variant Classification Sherloc (09022015). Collection method: clinical testing. Allele origin: germline.

CeGaT Center for Human Genetics Tuebingen
Classification: Likely benign. Last evaluated: 2025-06-01. Review status: criteria provided, single submitter. Criteria: CeGaT Center For Human Genetics Tuebingen Variant Classification Criteria Version 2. Collection method: clinical testing. Allele origin: germline. Affected: yes. Observed: 2 variant alleles.
Comment: TSC2: BP4

Quest Diagnostics Nichols Institute San Juan Capistrano
Classification: Likely benign. Last evaluated: 2025-05-05. Review status: criteria provided, single submitter. Criteria: Quest Diagnostics criteria. Collection method: clinical testing. Allele origin: unknown.

Mayo Clinic Laboratories, Mayo Clinic
Classification: Uncertain significance. Last evaluated: 2025-03-03. Review status: criteria provided, single submitter. Criteria: ACMG Guidelines, 2015. Collection method: clinical testing. Allele origin: germline. Observed: 1 variant allele.
Comment: BP4

Myriad Genetics, Inc.
Classification: Likely benign for Tuberous sclerosis 2. Last evaluated: 2024-08-20. Review status: criteria provided, single submitter. Criteria: Myriad Autosomal Dominant, Autosomal Recessive and X-Linked Classification Criteria (2023). Collection method: clinical testing. Allele origin: unknown.
Comment: This variant is considered likely benign. This variant has been observed at a population frequency that is significantly greater than expected given the associated disease prevalence and penetrance.

Blueprint Genetics
Classification: Likely benign. Last evaluated: 2024-01-23. Review status: criteria provided, single submitter. Criteria: ACMG Guidelines, 2015. Collection method: clinical testing. Allele origin: germline.

Ambry Genetics
Classification: Likely benign for Hereditary cancer-predisposing syndrome. Last evaluated: 2022-12-29. Review status: criteria provided, single submitter. Criteria: Ambry Variant Classification Scheme 2023. Collection method: clinical testing. Allele origin: germline.

Color Diagnostics, LLC DBA Color Health
Classification: Likely benign for Tuberous sclerosis syndrome. Last evaluated: 2022-10-07. Review status: criteria provided, single submitter. Criteria: ACMG Guidelines, 2015. Collection method: clinical testing. Allele origin: germline.

Genome-Nilou Lab
Classification: Likely benign for Tuberous sclerosis 2. Last evaluated: 2021-11-07. Review status: criteria provided, single submitter. Criteria: ACMG Guidelines, 2015. Collection method: clinical testing. Allele origin: germline. Affected: no.

St. Jude Molecular Pathology, St. Jude Children's Research Hospital
Classification: Uncertain significance for Tuberous sclerosis syndrome. Last evaluated: 2021-07-22. Review status: criteria provided, single submitter. Criteria: St. Jude Assertion Criteria 2020. Collection method: clinical testing. Allele origin: germline.
Comment: The TSC2 c.4216G>A (p.Asp1406Asn) missense change has a maximum subpopulation frequency of 0.017% gnomAD v2.1.1. Six of seven in silico tools predict a benign effect of this variant on protein function (BP4), but to our knowledge these predictions have not been confirmed by functional assays. To our knowledge, this variant has not been reported in individuals with tuberous sclerosis complex. In summary, this variant meets criteria to be classified as of uncertain significance based on the ACMG/AMP criteria: BP4.

GeneDx
Classification: Likely benign. Last evaluated: 2021-04-14. Review status: criteria provided, single submitter. Criteria: GeneDx Variant Classification Process June 2021. Collection method: clinical testing. Allele origin: germline. Affected: yes.